The following is an entry in ClinVar:

NM_001378454.1(ALMS1):c.2285G>C (p.Ser762Thr)

Gene: ALMS1 (ALMS1 centrosome and basal body associated protein; plus strand). Cytogenetic location: 2p13.1.
Variant type: single nucleotide variant.
Coding change: c.2285G>C on transcript NM_001378454.1 (MANE Select); coding-DNA position 2285, G replaced by C.
Protein change: p.Ser762Thr; replaces serine 762 with threonine.
Molecular consequence: missense variant.
Genome position (GRCh38, 1-based): chr2:73,448,812, G>C. VCF-style: chr2-73448812-G-C. GRCh37 (hg19) VCF-style: chr2-73675939-G-C.
Other names: c.2288G>C, p.Ser763Thr (NM_015120.4); short protein forms S762T, S763T.
Identifiers: ClinVar variation 989566 (VCV000989566.7), dbSNP rs768930001, ClinGen allele CA1713318.

ClinVar aggregate classification (germline): Conflicting classifications of pathogenicity. Review status: criteria provided, conflicting classifications (1 of 4 stars). 3 submissions from 3 submitters: Uncertain significance (1); Likely benign (1). 1 of the submissions does not count toward it. Last evaluated 2026-02-19.

Conditions:
Cardiovascular phenotype. Identifiers: MedGen CN230736.
Alstrom syndrome (ALMS). Identifiers: Orphanet 64, MedGen C0268425, MONDO:0008763, OMIM 203800.

Allele frequency attached by ClinVar (database versions not stated): ExAC 0.00003; gnomAD exomes 0.00003.
gnomAD v4.1: 7 of 1,613,920 alleles (0.00043%); highest among the groups gnomAD compares: East Asian, 0.013%; no homozygotes.

Submissions (3):

Ambry Genetics
Classification: Likely benign for Cardiovascular phenotype. Last evaluated: 2026-02-19. Review status: criteria provided, single submitter. Criteria: Ambry Variant Classification Scheme 2023. Collection method: clinical testing. Allele origin: germline.

GeneDx
Classification: Uncertain significance. Last evaluated: 2022-10-26. Review status: criteria provided, single submitter. Criteria: GeneDx Variant Classification Process June 2021. Collection method: clinical testing. Allele origin: germline. Affected: yes.
Comment: In silico analysis supports that this missense variant does not alter protein structure/function; Has not been previously published as pathogenic or benign to our knowledge

Natera, Inc.
Classification: Likely benign for Alstrom syndrome. Last evaluated: 2020-04-29. Review status: no assertion criteria provided. Collection method: clinical testing. Allele origin: germline. Not counted in ClinVar's aggregate classification.